The following is an entry in ClinVar:

ClinVar aggregate classification (germline): Uncertain significance. Review status: criteria provided, multiple submitters, no conflicts (2 of 4 stars). 2 submissions from 2 submitters: Uncertain significance (2). Last evaluated 2025-01-20.

Allele frequency attached by ClinVar (database versions not stated): gnomAD 0.00001; ExAC 0.00002; TOPMed 0.00003; 1000 Genomes Project 30x 0.00016; 1000 Genomes Project 0.00020.
gnomAD v4.1: 17 of 1,614,072 alleles (0.0011%); highest among the groups gnomAD compares: Admixed American, 0.005%; no homozygotes.

Submissions (2):

Ambry Genetics
Classification: Uncertain significance. Last evaluated: 2025-01-20. Review status: criteria provided, single submitter. Criteria: Ambry Variant Classification Scheme 2023. Collection method: clinical testing. Allele origin: germline.

Labcorp Genetics (formerly Invitae), Labcorp
Classification: Uncertain significance. Last evaluated: 2024-04-22. Review status: criteria provided, single submitter. Criteria: Invitae Variant Classification Sherloc (09022015). Collection method: clinical testing. Allele origin: germline.
Comment: This sequence change replaces glutamine, which is neutral and polar, with arginine, which is basic and polar, at codon 616 of the IARS protein (p.Gln616Arg). The frequency data for this variant in the population databases is considered unreliable, as metrics indicate poor data quality at this position in the gnomAD database. This variant has not been reported in the literature in individuals affected with IARS-related conditions. ClinVar contains an entry for this variant (Variation ID: 2143848). An algorithm developed to predict the effect of missense changes on protein structure and function (PolyPhen-2) suggests that this variant¬†is likely to be tolerated. In summary, the available evidence is currently insufficient to determine the role of this variant in disease. Therefore, it has been classified as a Variant of Uncertain Significance.

NM_002161.6(IARS1):c.1847A>G (p.Gln616Arg)

Gene: IARS1 (isoleucyl-tRNA synthetase 1; minus strand). Cytogenetic location: 9q22.31.
Variant type: single nucleotide variant.
Coding change: c.1847A>G on transcript NM_002161.6 (MANE Select); coding-DNA position 1847, A replaced by G.
Protein change: p.Gln616Arg; replaces glutamine 616 with arginine.
Molecular consequence: missense variant. On other transcripts: non-coding transcript variant (1), intron variant (1).
Genome position (GRCh38, 1-based): chr9:92,260,175, T>C on the plus strand (A>G on the coding strand, the complement: IARS1 is on the minus strand). VCF-style: chr9-92260175-T-C. GRCh37 (hg19) VCF-style: chr9-95022457-T-C.
Other names: c.1847A>G, p.Gln616Arg (NM_001374299.1, NM_001374300.1, NM_001378572.1 and 13 more transcripts); c.1910A>G, p.Gln637Arg (NM_001378569.1); c.1868A>G, p.Gln623Arg (NM_001378571.1); c.1724A>G, p.Gln575Arg (NM_001378583.1); c.1788-1177A>G (NM_001374301.1); c.1847A>G (NM_013417.2); short protein forms Q575R, Q623R, Q616R, Q637R.
Identifiers: ClinVar variation 2143848 (VCV002143848.3), dbSNP rs200513606, ClinGen allele CA5122487.